The following is an entry in ClinVar:

NM_001365536.1(SCN9A):c.773T>G (p.Val258Gly)

Gene: SCN9A (sodium voltage-gated channel alpha subunit 9; minus strand). Cytogenetic location: 2q24.3.
Variant type: single nucleotide variant.
Coding change: c.773T>G on transcript NM_001365536.1 (MANE Select); coding-DNA position 773, T replaced by G.
Protein change: p.Val258Gly; replaces valine 258 with glycine.
Molecular consequence: missense variant.
Genome position (GRCh38, 1-based): chr2:166,303,218, A>C on the plus strand (T>G on the coding strand, the complement: SCN9A is on the minus strand). VCF-style: chr2-166303218-A-C. GRCh37 (hg19) VCF-style: chr2-167159728-A-C.
Other names: c.773T>G, p.Val258Gly (NM_002977.4); short protein forms V258G.
Identifiers: ClinVar variation 960350 (VCV000960350.12), dbSNP rs757286231, ClinGen allele CA1944661.
Genomic context (GRCh38, chr2:166,303,218, plus strand): 5'-TTTCGAAAACATTTATGCTTCAGGTTTCCCATGAACAGCTGTAGTCCAATTAGTGCAAAC[A>C]CACTCAGACAGAACACAGTCAGGATCATGACATCAGAAAGCTTCTTCACTGACTGGATCA-3'
Protein context (NP_001352465.1, residues 248-268): VMILTVFCLS[Val258Gly]FALIGLQLFM

ClinVar aggregate classification (germline): Uncertain significance. Review status: criteria provided, multiple submitters, no conflicts (2 of 4 stars). 2 submissions from 2 submitters: Uncertain significance (2). Last evaluated 2021-01-31.

Conditions:
Generalized epilepsy with febrile seizures plus, type 7 (GEFSP7). Also called: GEFS+, TYPE 7. Identifiers: Orphanet 36387, MedGen C2751778, MONDO:0013470, OMIM 613863.
Neuropathy, hereditary sensory and autonomic, type 2A (HSAN2A). Also called: HSAN IIA; ACROOSTEOLYSIS, GIACCAI TYPE; ACROOSTEOLYSIS, NEUROGENIC; WNK1-Related HSAN2 (HSAN2A); MORVAN DISEASE; NEUROPATHY, CONGENITAL SENSORY. Identifiers: Orphanet 970, MedGen C2752089, MONDO:0024309, OMIM 201300.
Inborn genetic diseases. Identifiers: MedGen C0950123, MeSH D030342.

Allele frequency attached by ClinVar (database versions not stated): gnomAD exomes below 0.00001; TOPMed below 0.00001; ExAC 0.00001; gnomAD 0.00001.
gnomAD v4.1: 5 of 1,613,638 alleles (0.00031%); highest among the groups gnomAD compares: African/African-American, 0.0013%; no homozygotes.

Submissions (2):

Labcorp Genetics (formerly Invitae), Labcorp
Classification: Uncertain significance for Neuropathy, hereditary sensory and autonomic, type 2A; Generalized epilepsy with febrile seizures plus, type 7. Last evaluated: 2021-01-31. Review status: criteria provided, single submitter. Criteria: Invitae Variant Classification Sherloc (09022015). Collection method: clinical testing. Allele origin: germline.
Comment: This variant has not been reported in the literature in individuals with SCN9A-related conditions. This variant is present in population databases (rs757286231, ExAC 0.002%). This sequence change replaces valine with glycine at codon 258 of the SCN9A protein (p.Val258Gly). The valine residue is highly conserved and there is a moderate physicochemical difference between valine and glycine. Algorithms developed to predict the effect of missense changes on protein structure and function (SIFT, PolyPhen-2, Align-GVGD) all suggest that this variant is likely to be disruptive, but these predictions have not been confirmed by published functional studies and their clinical significance is uncertain. In summary, the available evidence is currently insufficient to determine the role of this variant in disease. Therefore, it has been classified as a Variant of Uncertain Significance.

Ambry Genetics
Classification: Uncertain significance for Inborn genetic diseases. Last evaluated: 2019-12-26. Review status: criteria provided, single submitter. Criteria: Ambry Variant Classification Scheme 2023. Collection method: clinical testing. Allele origin: germline.
Comment: The p.V258G variant (also known as c.773T>G), located in coding exon 6 of the SCN9A gene, results from a T to G substitution at nucleotide position 773. The valine at codon 258 is replaced by glycine, an amino acid with dissimilar properties. This amino acid position is highly conserved in available vertebrate species. In addition, this alteration is predicted to be deleterious by in silico analysis. Since supporting evidence is limited at this time, the clinical significance of this alteration remains unclear.